The following is an entry in ClinVar:

NM_172351.3(CD46):c.476-2A>G

Gene: CD46 (CD46 molecule; plus strand). Cytogenetic location: 1q32.2.
Variant type: single nucleotide variant.
Coding change: c.476-2A>G on transcript NM_172351.3 (MANE Select); the canonical splice acceptor site of the intron before coding-DNA position 476, A replaced by G.
Molecular consequence: splice acceptor variant.
Genome position (GRCh38, 1-based): chr1:207,761,247, A>G. VCF-style: chr1-207761247-A-G. GRCh37 (hg19) VCF-style: chr1-207934592-A-G.
Other names: c.476-2A>G (NM_002389.4, NM_172359.3, NM_153826.4 and 8 more transcripts).
Identifiers: ClinVar variation 4291209 (VCV004291209.1).

ClinVar aggregate classification (germline): Pathogenic (1 of 4 stars; one submission).

Conditions:
Atypical hemolytic-uremic syndrome. Identifiers: Orphanet 2134, MedGen C2931788, MONDO:0016244.

Submission:

Genomenon, Inc
Classification: Pathogenic for Atypical hemolytic-uremic syndrome. Last evaluated: 2025-10-02. Review status: criteria provided, single submitter. Criteria: Genomenon Sequence Variant Interpretation Standards. Collection method: curation. Allele origin: germline. Affected: yes.
Comment: CD46 c.476-2A>G is a canonical splice variant located in the acceptor splice region in intron 4. It is predicted to affect mRNA splicing, leading to a deleterious effect on the CD46 protein. This variant has been observed in at least one proband affected with atypical hemolytic-uremic syndrome (PMID:28056875). It is absent or not present at a significant frequency in gnomAD. In conclusion, we classify CD46 c.476-2A>G as a pathogenic variant.

Literature cited by the submitters: PubMed 28056875.